The following is an entry in ClinVar:

NM_001168468.2(NHERF4):c.257G>C (p.Arg86Pro)

Gene: NHERF4 (NHERF family PDZ scaffold protein 4; plus strand). Cytogenetic location: 11q23.3.
Variant type: single nucleotide variant.
Coding change: c.257G>C on transcript NM_001168468.2 (MANE Select); coding-DNA position 257, G replaced by C.
Protein change: p.Arg86Pro; replaces arginine 86 with proline.
Molecular consequence: missense variant. On other transcripts: non-coding transcript variant (1).
Genome position (GRCh38, 1-based): chr11:119,186,617, G>C. VCF-style: chr11-119186617-G-C. GRCh37 (hg19) VCF-style: chr11-119057326-G-C.
Other names: c.257G>C, p.Arg86Pro (NM_024791.4); short protein forms R86P.
Identifiers: ClinVar variation 4813107 (VCV004813107.1).
Genomic context (GRCh38, chr11:119,186,617, plus strand): 5'-AGGAGCTGGGCAGGGCTGGGCATGTGGTGTGCAGGGTGGACCCAGGCACCTCTGCCCAGC[G>C]CCAGGGTCTTCAGGAAGGAGACAGGATCCTGGCGGTGAACAATGATGTTGTGGAACACGA-3'
Protein context (NP_001161940.1, residues 76-96): CRVDPGTSAQ[Arg86Pro]QGLQEGDRIL

ClinVar aggregate classification (germline): Uncertain significance (1 of 4 stars; one submission).

Conditions:
Congenital portosystemic shunt. Identifiers: Orphanet 480531, MedGen C1290495, MONDO:0018811.

gnomAD v4.1: 71 of 1,613,650 alleles (0.0044%); highest among the groups gnomAD compares: East Asian, 0.15%; 1 homozygote.

Submission:

Department of Pediatrics, Graduate School of Medical Sciences, Kyushu University
Classification: Uncertain significance for Congenital portosystemic shunt. Last evaluated: 2026-02-27. Review status: criteria provided, single submitter. Criteria: ACMG Guidelines, 2015. Collection method: research. Allele origin: germline. Affected: yes.
Comment: Both variants are rare or absent in population databases such as gnomAD, and in silico prediction tools including CADD suggest potential deleterious effects. However, the relationship between this gene and CPSS has not been established. Therefore, the clinical significance of this variant is currently classified as a variant of uncertain significance (VUS).